The following is an entry in ClinVar:

NM_003332.4(TYROBP):c.266C>T (p.Ser89Leu)

Gene: TYROBP (transmembrane immune signaling adaptor TYROBP; minus strand). Cytogenetic location: 19q13.12.
Variant type: single nucleotide variant.
Coding change: c.266C>T on transcript NM_003332.4 (MANE Select); coding-DNA position 266, C replaced by T.
Protein change: p.Ser89Leu; replaces serine 89 with leucine.
Molecular consequence: missense variant. On other transcripts: non-coding transcript variant (1).
Genome position (GRCh38, 1-based): chr19:35,907,228, G>A on the plus strand (C>T on the coding strand, the complement: TYROBP is on the minus strand). VCF-style: chr19-35907228-G-A. GRCh37 (hg19) VCF-style: chr19-36398130-G-A.
Other names: c.233C>T, p.Ser78Leu (NM_001173514.2); c.230C>T, p.Ser77Leu (NM_001173515.2); c.263C>T, p.Ser88Leu (NM_198125.3); short protein forms S77L, S78L, S88L, S89L.
Identifiers: ClinVar variation 1471000 (VCV001471000.3), dbSNP rs557854792, ClinGen allele CA9393027.

ClinVar aggregate classification (germline): Uncertain significance (1 of 4 stars; one submission).

Allele frequency attached by ClinVar (database versions not stated): gnomAD exomes 0.00001 and 0.00002; ExAC 0.00003; 1000 Genomes Project 0.00020; 1000 Genomes Project 30x 0.00031.
gnomAD v4.1: 12 of 1,604,744 alleles (0.00075%); highest among the groups gnomAD compares: African/African-American, 0.0027%; no homozygotes.

Submission:

Labcorp Genetics (formerly Invitae), Labcorp
Classification: Uncertain significance. Last evaluated: 2021-11-23. Review status: criteria provided, single submitter. Criteria: Invitae Variant Classification Sherloc (09022015). Collection method: clinical testing. Allele origin: germline.
Comment: This sequence change replaces serine, which is neutral and polar, with leucine, which is neutral and non-polar, at codon 89 of the TYROBP protein (p.Ser89Leu). This variant is present in population databases (rs557854792, gnomAD 0.007%). This missense change has been observed in individual(s) with early-onset Alzheimer disease (PMID: 27658901). Algorithms developed to predict the effect of missense changes on protein structure and function are either unavailable or do not agree on the potential impact of this missense change (SIFT: "Not Available"; PolyPhen-2: "Probably Damaging"; Align-GVGD: "Not Available"). In summary, the available evidence is currently insufficient to determine the role of this variant in disease. Therefore, it has been classified as a Variant of Uncertain Significance.

Literature cited by the submitters: PubMed 27658901.